The following is an entry in ClinVar:

ClinVar aggregate classification (germline): Uncertain significance (1 of 4 stars; one submission).

gnomAD v4.1: 7 of 1,550,956 alleles (0.00045%); highest among the groups gnomAD compares: African/African-American, 0.0014%; no homozygotes.

Submission:

Women's Health and Genetics/Laboratory Corporation of America, LabCorp
Classification: Uncertain significance. Last evaluated: 2026-04-06. Review status: criteria provided, single submitter. Criteria: LabCorp Variant Classification Summary - May 2015. Collection method: clinical testing. Allele origin: germline.
Comment: Variant summary: PSAP c.39G>A (p.Ala13Ala) alters a non-conserved nucleotide located close to a canonical splice site and therefore could affect mRNA splicing, leading to a significantly altered protein sequence. Consensus agreement among computation tools predict no significant impact on normal splicing. However, these predictions have yet to be confirmed by functional studies. The variant allele was found at a frequency of 6.5e-06 in 153550 control chromosomes. The available data on variant occurrences in the general population are insufficient to allow any conclusion about variant significance. To our knowledge, no occurrence of c.39G>A in individuals affected with PSAP-related conditions and no experimental evidence demonstrating its impact on protein function have been reported. No submitters have cited clinical-significance assessments for this variant to ClinVar. Based on the evidence outlined above, the variant was classified as uncertain significance.

NM_002778.4(PSAP):c.39G>A (p.Ala13=)

Gene: PSAP (prosaposin; minus strand). Cytogenetic location: 10q22.1.
Variant type: single nucleotide variant.
Coding change: c.39G>A on transcript NM_002778.4 (MANE Select); coding-DNA position 39, G replaced by A.
Protein change: p.Ala13=; no amino-acid change (alanine 13 retained).
Molecular consequence: synonymous variant.
Genome position (GRCh38, 1-based): chr10:71,851,183, C>T on the plus strand (G>A on the coding strand, the complement: PSAP is on the minus strand). VCF-style: chr10-71851183-C-T. GRCh37 (hg19) VCF-style: chr10-73610940-C-T.
Other names: c.39G>A, p.Ala13= (NM_001042465.3, NM_001042466.3).
Identifiers: ClinVar variation 4848884 (VCV004848884.1).